The following is an entry in ClinVar:

ClinVar aggregate classification (germline): Uncertain significance (1 of 4 stars; one submission).

Conditions:
DICER1-related tumor predisposition. Also called: DICER1 syndrome; DICER1-related pleuropulmonary blastoma cancer predisposition syndrome. Identifiers: Orphanet 284343, MedGen C3839822, MONDO:0100216.

Submission:

Labcorp Genetics (formerly Invitae), Labcorp
Classification: Uncertain significance for DICER1-related tumor predisposition. Last evaluated: 2022-09-14. Review status: criteria provided, single submitter. Criteria: Invitae Variant Classification Sherloc (09022015). Collection method: clinical testing. Allele origin: germline.
Comment: In summary, the available evidence is currently insufficient to determine the role of this variant in disease. Therefore, it has been classified as a Variant of Uncertain Significance. Advanced modeling of protein sequence and biophysical properties (such as structural, functional, and spatial information, amino acid conservation, physicochemical variation, residue mobility, and thermodynamic stability) performed at Invitae indicates that this missense variant is not expected to disrupt DICER1 protein function. This variant has not been reported in the literature in individuals affected with DICER1-related conditions. This variant is not present in population databases (gnomAD no frequency). This sequence change replaces glutamic acid, which is acidic and polar, with lysine, which is basic and polar, at codon 966 of the DICER1 protein (p.Glu966Lys).

NM_177438.3(DICER1):c.2896G>A (p.Glu966Lys)

Gene: DICER1 (dicer 1, ribonuclease III; minus strand). Cytogenetic location: 14q32.13.
Variant type: single nucleotide variant.
Coding change: c.2896G>A on transcript NM_177438.3 (MANE Select); coding-DNA position 2896, G replaced by A.
Protein change: p.Glu966Lys; replaces glutamic acid 966 with lysine.
Molecular consequence: missense variant. On other transcripts: non-coding transcript variant (6).
Genome position (GRCh38, 1-based): chr14:95,106,132, C>T on the plus strand (G>A on the coding strand, the complement: DICER1 is on the minus strand). VCF-style: chr14-95106132-C-T. GRCh37 (hg19) VCF-style: chr14-95572469-C-T.
Other names: c.2896G>A, p.Glu966Lys (NM_001195573.1, NM_001271282.3, NM_001291628.2 and 13 more transcripts); c.2614G>A, p.Glu872Lys (NM_001395686.1); c.2491G>A, p.Glu831Lys (NM_001395687.1, NM_001395688.1, NM_001395689.1 and 2 more transcripts); c.2329G>A, p.Glu777Lys (NM_001395691.1); c.1213G>A, p.Glu405Lys (NM_001395697.1); short protein forms E405K, E777K, E831K, E872K, E966K.
Identifiers: ClinVar variation 1719418 (VCV001719418.6), dbSNP rs2542787876, ClinGen allele CA390879008.